The following is an entry in ClinVar:

ClinVar aggregate classification (germline): Likely benign (1 of 4 stars; one submission).

Allele frequency attached by ClinVar (database versions not stated): ExAC 0.00077.

Submission:

CeGaT Center for Human Genetics Tuebingen
Classification: Likely benign. Last evaluated: 2023-07-01. Review status: criteria provided, single submitter. Criteria: CeGaT Center For Human Genetics Tuebingen Variant Classification Criteria Version 2. Collection method: clinical testing. Allele origin: germline. Affected: yes. Observed: 1 variant allele.
Comment: TUBB8: BP4, BS1

NM_177987.3(TUBB8):c.867T>C (p.Leu289=)

Gene: TUBB8 (tubulin beta 8 class VIII; minus strand). Cytogenetic location: 10p15.3.
Variant type: single nucleotide variant.
Coding change: c.867T>C on transcript NM_177987.3 (MANE Select); coding-DNA position 867, T replaced by C.
Protein change: p.Leu289=; no amino-acid change (leucine 289 retained).
Molecular consequence: synonymous variant.
Genome position (GRCh38, 1-based): chr10:47,525, A>G on the plus strand (T>C on the coding strand, the complement: TUBB8 is on the minus strand). VCF-style: chr10-47525-A-G. GRCh37 (hg19) VCF-style: chr10-93465-A-G.
Other names: c.651T>C, p.Leu217= (NM_001389618.1, NM_001389619.1).
Identifiers: ClinVar variation 2578610 (VCV002578610.25), dbSNP rs781796307, ClinGen allele CA5378368.